The following is an entry in ClinVar:

ClinVar aggregate classification (germline): Uncertain significance. Review status: criteria provided, multiple submitters, no conflicts (2 of 4 stars). 4 submissions from 4 submitters: Uncertain significance (3). 1 of the submissions does not count toward it. Last evaluated 2024-05-31.

Conditions:
Combined oxidative phosphorylation defect type 20. Also called: Combined oxidative phosphorylation deficiency 20. Identifiers: Orphanet 420728, MedGen C4014660, MONDO:0014397, OMIM 615917.

Allele frequency attached by ClinVar (database versions not stated): gnomAD 0.00008 and 0.00009; TOPMed 0.00010; ESP Exome Variant Server 0.00012; 1000 Genomes Project 30x 0.00016; gnomAD exomes 0.00019; 1000 Genomes Project 0.00020; ExAC 0.00022.
gnomAD v4.1: 74 of 1,612,568 alleles (0.0046%); highest among the groups gnomAD compares: East Asian, 0.087%; no homozygotes.

Submissions (4):

Labcorp Genetics (formerly Invitae), Labcorp
Classification: Uncertain significance. Last evaluated: 2024-05-31. Review status: criteria provided, single submitter. Criteria: Invitae Variant Classification Sherloc (09022015). Collection method: clinical testing. Allele origin: germline.
Comment: This sequence change replaces threonine, which is neutral and polar, with methionine, which is neutral and non-polar, at codon 647 of the VARS2 protein (p.Thr647Met). This variant is present in population databases (rs367837827, gnomAD 0.2%). This missense change has been observed in individual(s) with clinical features of combined oxidative phosphorylation deficiency (PMID: 31529142, 32342562, 36157797). ClinVar contains an entry for this variant (Variation ID: 373702). Advanced modeling of protein sequence and biophysical properties (such as structural, functional, and spatial information, amino acid conservation, physicochemical variation, residue mobility, and thermodynamic stability) performed at Invitae indicates that this missense variant is expected to disrupt VARS2 protein function with a positive predictive value of 80%. Experimental studies have shown that this missense change affects VARS2 function (PMID: 31529142). In summary, the available evidence is currently insufficient to determine the role of this variant in disease. Therefore, it has been classified as a Variant of Uncertain Significance.

GeneDx
Classification: Uncertain significance. Last evaluated: 2016-12-15. Review status: criteria provided, single submitter. Criteria: GeneDx Variant Classification (06012015). Collection method: clinical testing. Allele origin: germline. Affected: yes.
Comment: The T647M variant has not been published as a pathogenic variant, nor has it been reported as a benign variant to our knowledge. The T647M variant was not observed with any significant frequency in approximately 6500 individuals of European and African American ancestry in the NHLBI Exome Sequencing Project. The T647M variant is a non-conservative amino acid substitution, which is likely to impact secondary protein structure as these residues differ in polarity, charge, size and/or other properties. This substitution occurs at a position that is conserved across species. In silico analysis predicts this variant is probably damaging to the protein structure/function. In summary, based on the currently available information, it is unclear whether this variant is a pathogenic variant or a rare benign variant.

Juno Genomics, Hangzhou Juno Genomics, Inc
Classification: Uncertain significance for Combined oxidative phosphorylation defect type 20. Review status: criteria provided, single submitter. Criteria: ACMG Guidelines, 2015. Collection method: clinical testing. Allele origin: germline.
Comment: Absent from controls (or at extremely low frequency if recessive) in Genome Aggregation Database.

Mayo Clinic Laboratories, Mayo Clinic
Classification: Uncertain significance. Last evaluated: 2017-06-14. Review status: no assertion criteria provided. Collection method: clinical testing. Allele origin: unknown. Not counted in ClinVar's aggregate classification.

Literature cited by the submitters: PubMed 31529142 (cited by Labcorp Genetics (formerly Invitae), Labcorp); PubMed 32342562 (cited by Labcorp Genetics (formerly Invitae), Labcorp); PubMed 36157797 (cited by Labcorp Genetics (formerly Invitae), Labcorp).

NM_020442.6(VARS2):c.1850C>T (p.Thr617Met)

Genes: VARS2 (valyl-tRNA synthetase 2, mitochondrial; plus strand), LOC126859646 (MED14-independent group 3 enhancer GRCh37_chr6:30889690-30890889; plus strand). Cytogenetic location: 6p21.33.
Variant type: single nucleotide variant.
Coding change: c.1850C>T on transcript NM_020442.6 (MANE Select); coding-DNA position 1850, C replaced by T.
Protein change: p.Thr617Met; replaces threonine 617 with methionine.
Molecular consequence: missense variant.
Genome position (GRCh38, 1-based): chr6:30,922,159, C>T. VCF-style: chr6-30922159-C-T. GRCh37 (hg19) VCF-style: chr6-30889936-C-T.
Other names: c.1430C>T, p.Thr477Met (NM_001167733.3); c.1940C>T, p.Thr647Met (NM_001167734.2); short protein forms T617M, T647M, T477M.
Identifiers: ClinVar variation 373702 (VCV000373702.10), dbSNP rs367837827, ClinGen allele CA3706066.